The following is an entry in ClinVar:

NM_001005242.3(PKP2):c.1840-148A>G

Gene: PKP2 (plakophilin 2; minus strand). Cytogenetic location: 12p11.21.
Variant type: single nucleotide variant.
Coding change: c.1840-148A>G on transcript NM_001005242.3 (MANE Select); 148 bases into the intron before coding-DNA position 1840, A replaced by G.
Molecular consequence: intron variant.
Genome position (GRCh38, 1-based): chr12:32,821,677, T>C on the plus strand (A>G on the coding strand, the complement: PKP2 is on the minus strand). VCF-style: chr12-32821677-T-C. GRCh37 (hg19) VCF-style: chr12-32974611-T-C.
Other names: c.1972-148A>G (NM_004572.4).
Identifiers: ClinVar variation 672156 (VCV000672156.2), dbSNP rs9919823, ClinGen allele CA235238253.

ClinVar aggregate classification (germline): Benign. Review status: criteria provided, multiple submitters, no conflicts (2 of 4 stars). 2 submissions from 2 submitters: Benign (2). Last evaluated 2018-06-16.

Allele frequency attached by ClinVar (database versions not stated): gnomAD exomes 0.03601; 1000 Genomes Project 0.10443; gnomAD 0.10909 and 0.11487; 1000 Genomes Project 30x 0.11196; TOPMed 0.11289.
gnomAD v4.1: 36,782 of 704,924 alleles (5.2%); highest among the groups gnomAD compares: African/African-American, 30%; 3,022 homozygotes.

Submissions (2):

GeneDx
Classification: Benign. Last evaluated: 2018-06-16. Review status: criteria provided, single submitter. Criteria: GeneDx Variant Classification (06012015). Collection method: clinical testing. Allele origin: germline. Affected: yes.
Comment: This variant is considered likely benign or benign based on one or more of the following criteria: it is a conservative change, it occurs at a poorly conserved position in the protein, it is predicted to be benign by multiple in silico algorithms, and/or has population frequency not consistent with disease.

Breakthrough Genomics
Classification: Benign. Review status: criteria provided, single submitter. Criteria: ACMG Guidelines, 2015. Collection method: not provided. Allele origin: germline. Inheritance: Autosomal dominant inheritance. Affected: yes.